The following is an entry in ClinVar:

ClinVar aggregate classification (germline): Uncertain significance (1 of 4 stars; one submission).

Conditions:
Vitamin B2 deficiency. Identifiers: MedGen C0035528.

Submission:

Labcorp Genetics (formerly Invitae), Labcorp
Classification: Uncertain significance for Vitamin B2 deficiency. Last evaluated: 2021-03-01. Review status: criteria provided, single submitter. Criteria: Invitae Variant Classification Sherloc (09022015). Collection method: clinical testing. Allele origin: germline.
Comment: This variant is not present in population databases (ExAC no frequency). In summary, the available evidence is currently insufficient to determine the role of this variant in disease. Therefore, it has been classified as a Variant of Uncertain Significance. Algorithms developed to predict the effect of missense changes on protein structure and function (SIFT, PolyPhen-2, Align-GVGD) all suggest that this variant is likely to be tolerated, but these predictions have not been confirmed by published functional studies and their clinical significance is uncertain. This variant has not been reported in the literature in individuals with SLC52A1-related conditions. This sequence change replaces methionine with valine at codon 21 of the SLC52A1 protein (p.Met21Val). The methionine residue is highly conserved and there is a small physicochemical difference between methionine and valine.

NM_017986.4(SLC52A1):c.61A>G (p.Met21Val)

Gene: SLC52A1 (solute carrier family 52 member 1; minus strand). Cytogenetic location: 17p13.2.
Variant type: single nucleotide variant.
Coding change: c.61A>G on transcript NM_017986.4 (MANE Select); coding-DNA position 61, A replaced by G.
Protein change: p.Met21Val; replaces methionine 21 with valine.
Molecular consequence: missense variant.
Genome position (GRCh38, 1-based): chr17:5,034,546, T>C on the plus strand (A>G on the coding strand, the complement: SLC52A1 is on the minus strand). VCF-style: chr17-5034546-T-C. GRCh37 (hg19) VCF-style: chr17-4937841-T-C.
Other names: c.61A>G, p.Met21Val (NM_001104577.2); short protein forms M21V.
Identifiers: ClinVar variation 1472799 (VCV001472799.8), dbSNP rs2143436753, ClinGen allele CA397334137.